The following is an entry in ClinVar:

ClinVar aggregate classification (germline): Uncertain significance (1 of 4 stars; one submission).

Conditions:
MEGF10-related myopathy (CMYO10A). Also called: Congenital myopathy 10A, severe variant. Identifiers: Orphanet 439212, MedGen C3280679, MONDO:0013731, OMIM 614399.

Allele frequency attached by ClinVar (database versions not stated): gnomAD exomes below 0.00001; ExAC 0.00001; gnomAD 0.00001; TOPMed 0.00001.
gnomAD v4.1: 2 of 1,613,428 alleles (0.00012%); highest among the groups gnomAD compares: African/African-American, 0.0027%; no homozygotes.

Submission:

Labcorp Genetics (formerly Invitae), Labcorp
Classification: Uncertain significance for MEGF10-related myopathy. Last evaluated: 2022-07-25. Review status: criteria provided, single submitter. Criteria: Invitae Variant Classification Sherloc (09022015). Collection method: clinical testing. Allele origin: germline.
Comment: This sequence change replaces serine, which is neutral and polar, with glycine, which is neutral and non-polar, at codon 1137 of the MEGF10 protein (p.Ser1137Gly). This variant is present in population databases (rs764044446, gnomAD 0.008%). This variant has not been reported in the literature in individuals affected with MEGF10-related conditions. ClinVar contains an entry for this variant (Variation ID: 472743). Algorithms developed to predict the effect of missense changes on protein structure and function are either unavailable or do not agree on the potential impact of this missense change (SIFT: "Tolerated"; PolyPhen-2: "Not Available"; Align-GVGD: "Class C0"). In summary, the available evidence is currently insufficient to determine the role of this variant in disease. Therefore, it has been classified as a Variant of Uncertain Significance.

NM_001256545.2(MEGF10):c.3409A>G (p.Ser1137Gly)

Gene: MEGF10 (multiple EGF like domains 10; plus strand). Cytogenetic location: 5q23.2.
Variant type: single nucleotide variant.
Coding change: c.3409A>G on transcript NM_001256545.2 (MANE Select); coding-DNA position 3409, A replaced by G.
Protein change: p.Ser1137Gly; replaces serine 1137 with glycine.
Molecular consequence: missense variant.
Genome position (GRCh38, 1-based): chr5:127,457,304, A>G. VCF-style: chr5-127457304-A-G. GRCh37 (hg19) VCF-style: chr5-126792996-A-G.
Other names: c.3409A>G, p.Ser1137Gly (NM_032446.3); short protein forms S1137G.
Identifiers: ClinVar variation 472743 (VCV000472743.9), dbSNP rs764044446, ClinGen allele CA3392209.